The following is an entry in ClinVar:

ClinVar aggregate classification (germline): Likely benign (1 of 4 stars; one submission).

Allele frequency attached by ClinVar (database versions not stated): ExAC 0.00002; gnomAD exomes 0.00002; TOPMed 0.00002; gnomAD 0.00004.
gnomAD v4.1: 39 of 1,614,066 alleles (0.0024%); highest among the groups gnomAD compares: Middle Eastern, 0.016%; no homozygotes.

Submission:

CeGaT Center for Human Genetics Tuebingen
Classification: Likely benign. Last evaluated: 2026-01-01. Review status: criteria provided, single submitter. Criteria: CeGaT Center For Human Genetics Tuebingen Variant Classification Criteria Version 2. Collection method: clinical testing. Allele origin: germline. Affected: yes. Observed: 2 variant alleles.
Comment: ODC1: BP4, BP7

NM_002539.3(ODC1):c.927G>A (p.Ser309=)

Gene: ODC1 (ornithine decarboxylase 1; minus strand). Cytogenetic location: 2p25.1.
Variant type: single nucleotide variant.
Coding change: c.927G>A on transcript NM_002539.3 (MANE Select); coding-DNA position 927, G replaced by A.
Protein change: p.Ser309=; no amino-acid change (serine 309 retained).
Molecular consequence: synonymous variant.
Genome position (GRCh38, 1-based): chr2:10,441,916, C>T on the plus strand (G>A on the coding strand, the complement: ODC1 is on the minus strand). VCF-style: chr2-10441916-C-T. GRCh37 (hg19) VCF-style: chr2-10582042-C-T.
Other names: c.540G>A, p.Ser180= (NM_001287188.2); c.927G>A, p.Ser309= (NM_001287189.2, NM_001287190.2).
Identifiers: ClinVar variation 2582976 (VCV002582976.25), dbSNP rs778262198, ClinGen allele CA1526818.
Genomic context (GRCh38, chr2:10,441,916, plus strand): 5'-TATGCAATTAAATGATCCATAGACGCCATCATTCACATAATACATAAAGGTCTGCTCACT[C>T]GACTCATCTTCGTCTAGAAAGGCAGATCAACAATCTTAATGACTTTTTGCATCAGCTTTC-3'
Protein context (NP_002530.1, residues 299-319): EQTGSDDEDE[Ser309=]SEQTFMYYVN